The following is an entry in ClinVar:

NM_000038.6(APC):c.1958+3A>G

Gene: APC (APC regulator of Wnt signaling pathway; plus strand). Cytogenetic location: 5q22.2.
Variant type: single nucleotide variant.
Coding change: c.1958+3A>G on transcript NM_000038.6 (MANE Select); 3 bases into the intron after coding-DNA position 1958, A replaced by G.
Molecular consequence: intron variant.
Genome position (GRCh38, 1-based): chr5:112,835,168, A>G. VCF-style: chr5-112835168-A-G. GRCh37 (hg19) VCF-style: chr5-112170865-A-G.
Other names: c.1958+3A>G (NM_001354895.2, NM_001127510.3); c.1988+3A>G (NM_001354897.2); c.1685+3A>G (NM_001354902.2); c.1904+3A>G (NM_001127511.3); c.1883+3A>G (NM_001354898.2); c.1580+3A>G (NM_001354904.2); c.1109+3A>G (NM_001354906.2); c.2012+3A>G (NM_001354896.2); and 5 more.
Identifiers: ClinVar variation 245982 (VCV000245982.21), dbSNP rs879254032, ClinGen allele CA10584242.

ClinVar aggregate classification (germline): Pathogenic. Review status: criteria provided, multiple submitters, no conflicts (2 of 4 stars). 7 submissions from 7 submitters: Pathogenic (7). Last evaluated 2025-11-23.

Conditions:
Hereditary cancer-predisposing syndrome. Also called: Tumor predisposition; Neoplastic Syndromes, Hereditary; Hereditary Cancer Syndrome; Hereditary neoplastic syndrome. Identifiers: Orphanet 140162, MedGen C0027672, MeSH D009386, MONDO:0015356.
Familial multiple polyposis syndrome (FAP). Also called: Familial polyposis; Classic familial adenomatous polyposis; Familial adenomatous polyposis; Familial intestinal polyposis; Familial Adenomatous Polyposis (FAP). Identifiers: Orphanet 733, MedGen C0032580, MONDO:0021055. Disease mechanism: loss of function.
Familial adenomatous polyposis 1 (FAP1). Also called: POLYPOSIS, ADENOMATOUS INTESTINAL; FAMILIAL ADENOMATOUS POLYPOSIS 1, ATTENUATED. Identifiers: MedGen C2713442, MONDO:0021056, OMIM 175100. Disease mechanism: loss of function.

Submissions (7):

Labcorp Genetics (formerly Invitae), Labcorp
Classification: Pathogenic for Familial adenomatous polyposis 1. Last evaluated: 2025-11-23. Review status: criteria provided, single submitter. Criteria: Invitae Variant Classification Sherloc (09022015). Collection method: clinical testing. Allele origin: germline.
Comment: This sequence change falls in intron 15 of the APC gene. It does not directly change the encoded amino acid sequence of the APC protein. RNA analysis indicates that this variant induces altered splicing and may result in an absent or altered protein product. This variant is not present in population databases (gnomAD no frequency). This variant has been observed in individual(s) with clinical features of familial adenomatous polyposis (PMID: 14523376, 15459959, 20434453, 24599579). In at least one individual the variant was observed to be de novo. ClinVar contains an entry for this variant (Variation ID: 245982). Variants that disrupt the consensus splice site are a relatively common cause of aberrant splicing (PMID: 17576681, 9536098). Studies have shown that this variant alters mRNA splicing and is expected to lead to the loss of protein expression (PMID: 15459959, 24599579). For these reasons, this variant has been classified as Pathogenic.

Myriad Genetics, Inc.
Classification: Pathogenic for Familial adenomatous polyposis 1. Last evaluated: 2023-05-03. Review status: criteria provided, single submitter. Criteria: Myriad Autosomal Dominant, Autosomal Recessive and X-Linked Classification Criteria (2023). Collection method: clinical testing. Allele origin: unknown.
Comment: This variant is considered pathogenic. mRNA analysis has demonstrated abnormal mRNA splicing occurs [PMID: 15459959].

GeneDx
Classification: Pathogenic. Last evaluated: 2022-09-01. Review status: criteria provided, single submitter. Criteria: GeneDx Variant Classification Process June 2021. Collection method: clinical testing. Allele origin: germline. Affected: yes.
Comment: Published functional studies demonstrate a damaging effect: exon skipping (Aretz et al., 2004b); Not observed at significant frequency in large population cohorts (gnomAD); In silico analysis supports a deleterious effect on splicing; This variant is associated with the following publications: (PMID: 32635641, 20434453, 22736432, 20223039, 24599579, 14523376, 15459959, 16134147, 26446593, 20924072)

Ambry Genetics
Classification: Pathogenic for Hereditary cancer-predisposing syndrome. Last evaluated: 2021-05-28. Review status: criteria provided, single submitter. Criteria: Ambry Variant Classification Scheme 2023. Collection method: clinical testing. Allele origin: germline.
Comment: The c.1958+3A>G intronic pathogenic mutation results from an A to G substitution 3 nucleotides after coding exon 14 in the APC gene. This alteration has been identified in numerous unrelated individuals with familial adenomatous polyposis (Ambry internal data; Lagarde A et al. J Med Genet, 2010 Oct;47:721-2; Friedl W et al. Hered Cancer Clin Pract, 2005 Sep;3:95-114). It has been identified as a confirmed de novo alteration in one proband and in another it appeared in a non-familial FAP case suggesting de novo status (Aretz S et al. Eur J Hum Genet, 2004 Jan;12:52-8; Aretz S et al. Hum Mutat, 2004 Nov;24:370-80; Rivera B et al. Ann Oncol, 2011 Apr;22:903-909). This alteration has also been detected in familial FAP cases and segregates with disease (Aceto G et al. Hum Mutat, 2005 Oct;26:394; Aretz S et al. Eur J Hum Genet, 2004 Jan;12:52-8;). This alteration results in a transcript lacking exon 14 which leads to a frameshift (Aretz S et al. Hum Mutat, 2004 Nov;24:370-80; Grandval P et al. Hum. Mutat. 2014 May; 35(5):532-6; Castellsagu&eacute; E et al. Gastroenterology, 2010 Aug;139:439-47, 447.e1). Based on the supporting evidence, this alteration is interpreted as a disease-causing mutation.

Women's Health and Genetics/Laboratory Corporation of America, LabCorp
Classification: Pathogenic for Familial adenomatous polyposis. Last evaluated: 2019-09-23. Review status: criteria provided, single submitter. Criteria: LabCorp Variant Classification Summary - May 2015. Collection method: clinical testing. Allele origin: germline.
Comment: Variant summary: APC c.1958+3A>G alters a conserved nucleotide located close to a canonical splice site and therefore could affect mRNA splicing, leading to a significantly altered protein sequence. Several computational tools predict a significant impact on normal splicing: Four predict the variant weakens a 5' donor site. At least one publication reports experimental evidence that this variant affects mRNA splicing by skipping of legacy exon 14 (Aretz_2004). The variant was absent in 245248 control chromosomes. c.1958+3A>G has been reported in the literature in individuals affected with Familial Adenomatous Polyposis (Aretz_2004, Aceto_2005, Lagarde_2010, Rivera_2011). These data indicate that the variant is likely to be associated with disease. Three clinical diagnostic laboratories have submitted clinical-significance assessments for this variant to ClinVar after 2014 without evidence for independent evaluation. All laboratories classified the variant as pathogenic. Based on the evidence outlined above, the variant was classified as pathogenic.

Quest Diagnostics Nichols Institute San Juan Capistrano
Classification: Pathogenic. Last evaluated: 2017-11-21. Review status: criteria provided, single submitter. Criteria: Quest Diagnostics criteria. Collection method: clinical testing. Allele origin: germline.

Center for Human Genetics, Inc
Classification: Pathogenic for Familial multiple polyposis syndrome. Last evaluated: 2016-11-01. Review status: criteria provided, single submitter. Criteria: ACMG Guidelines, 2015. Collection method: clinical testing. Allele origin: germline. Affected: yes.

Literature cited by the submitters: PubMed 14523376 (cited by 3 submitters); PubMed 15459959 (cited by 4 submitters); PubMed 20434453 (cited by Labcorp Genetics (formerly Invitae), Labcorp and Ambry Genetics); PubMed 24599579 (cited by Labcorp Genetics (formerly Invitae), Labcorp and Ambry Genetics); PubMed 17576681 (cited by Labcorp Genetics (formerly Invitae), Labcorp); PubMed 9536098 (cited by Labcorp Genetics (formerly Invitae), Labcorp); PubMed 16134147 (cited by Ambry Genetics and Women's Health and Genetics/Laboratory Corporation of America, LabCorp); PubMed 20223039 (cited by Ambry Genetics and Women's Health and Genetics/Laboratory Corporation of America, LabCorp); PubMed 20685668 (cited by Ambry Genetics and Women's Health and Genetics/Laboratory Corporation of America, LabCorp); PubMed 20924072 (cited by Ambry Genetics and Women's Health and Genetics/Laboratory Corporation of America, LabCorp).